The following is an entry in ClinVar:

NM_025114.4(CEP290):c.7305GAA[4] (p.Lys2437_Asn2438insLys)

Genes: CEP290 (centrosomal protein 290; minus strand), RLIG1 (RNA 5'-phosphate and 3'-OH ligase 1; plus strand). Cytogenetic location: 12q21.32.
Variant type: Microsatellite.
Coding change: c.7305GAA[4] on transcript NM_025114.4 (MANE Select); four copies in a row of the 3-base unit GAA starting at c.7305; the reference has three copies in a row; one copy, 3 bases duplicated.
Protein change: p.Lys2437_Asn2438insLys.
Molecular consequence: inframe insertion. On other transcripts: 3 prime UTR variant (1).
Genome position (GRCh38, 1-based): chr12:88,049,311-88,049,313, TTC duplicated on the plus strand (GAA on the coding strand, the reverse complement: CEP290 is on the minus strand); duplicating any 3 consecutive bases within chr12:88,049,311-88,049,319 gives the same sequence; the position shown is the placement nearest the transcript's 3' end. VCF-style (leftmost placement, unchanged base first): chr12-88049310-A-ATTC. GRCh37 (hg19) VCF-style: chr12-88443087-A-ATTC.
Other names: c.*889TTC[4] (NM_001009894.3); c.7311_7313dupGAA (NM_025114.3).
Identifiers: ClinVar variation 2131404 (VCV002131404.2), dbSNP rs768777116, ClinGen allele CA6711295.

ClinVar aggregate classification (germline): Uncertain significance. Review status: criteria provided, multiple submitters, no conflicts (2 of 4 stars). 3 submissions from 3 submitters: Uncertain significance (3). Last evaluated 2025-12-04.

Conditions:
CEP290-related disorder. Also called: CEP290-related disorders; CEP290-related condition. Identifiers: MedGen CN239314.
CEP290-related ciliopathy. Also called: CEP290 ciliopathy. Identifiers: MedGen CN305601, MONDO:0100451.
Joubert syndrome. Also called: JOUBERT-BOLTSHAUSER SYNDROME; Familial aplasia of the vermis. Identifiers: Orphanet 475, MedGen C5979921, MONDO:0018772.
Nephronophthisis. Also called: Juvenile Nephronophthisis. Identifiers: Orphanet 655, MedGen C0687120, MONDO:0019005, HP:0000090.
Meckel-Gruber syndrome. Also called: DYSENCEPHALIA SPLANCHNOCYSTICA; GRUBER SYNDROME; Dysencephalia splachnocystica. Identifiers: Orphanet 564, MedGen C0265215, MONDO:0018921.

Submissions (3):

Myriad Genetics, Inc.
Classification: Uncertain significance for CEP290-related ciliopathy. Last evaluated: 2025-12-04. Review status: criteria provided, single submitter. Criteria: Myriad Autosomal Dominant, Autosomal Recessive and X-Linked Classification Criteria (2023). Collection method: clinical testing. Allele origin: unknown.
Comment: NM_025114.3(CEP290):c.7311_7313dupGAA(K2437dup) is an in-frame insertion classified as a variant of uncertain significance in the context of CEP290-related disorders. K2437dup has not been observed in cases with relevant disease. Relevant functional assessments of this variant are not available in the literature. K2437dup has been observed in referenced population frequency databases. In summary, there is insufficient evidence to classify NM_025114.3(CEP290):c.7311_7313dupGAA(K2437dup) as pathogenic or benign. Please note: this variant was assessed in the context of healthy population screening.

PreventionGenetics, part of Exact Sciences
Classification: Uncertain significance for CEP290-related condition. Last evaluated: 2024-10-30. Review status: criteria provided, single submitter. Criteria: ACMG Guidelines, 2015. Collection method: clinical testing. Allele origin: germline.
Comment: The CEP290 c.7311_7313dupGAA variant is predicted to result in an in-frame duplication (p.Lys2437dup). To our knowledge, this variant has not been reported in the literature. This variant is reported in two out of ~245,000 alleles in gnomAD. At this time, the clinical significance of this variant is uncertain due to the absence of conclusive functional and genetic evidence.

Labcorp Genetics (formerly Invitae), Labcorp
Classification: Uncertain significance for Joubert syndrome; Meckel-Gruber syndrome; Nephronophthisis. Last evaluated: 2022-04-28. Review status: criteria provided, single submitter. Criteria: Invitae Variant Classification Sherloc (09022015). Collection method: clinical testing. Allele origin: germline.
Comment: This variant, c.7311_7313dup, results in the insertion of 1 amino acid(s) of the CEP290 protein (p.Lys2437dup), but otherwise preserves the integrity of the reading frame. This variant is present in population databases (rs776664658, gnomAD no frequency). This variant has not been reported in the literature in individuals affected with CEP290-related conditions. In summary, the available evidence is currently insufficient to determine the role of this variant in disease. Therefore, it has been classified as a Variant of Uncertain Significance.